The following is an entry in ClinVar:

ClinVar aggregate classification (germline): Conflicting classifications of pathogenicity. Review status: criteria provided, conflicting classifications (1 of 4 stars). 4 submissions from 4 submitters: Pathogenic (1); Likely pathogenic (1); Uncertain significance (1). 1 of the submissions does not count toward it. Last evaluated 2023-06-08.

Conditions:
GABRB3-related disorder. Also called: GABRB3-related condition.
Epilepsy, childhood absence, susceptibility to, 1. Also called: Epilepsy, childhood absence 1. Identifiers: Orphanet 64280, MedGen C1838604, MONDO:0020759, OMIM 600131.
Epilepsy, childhood absence, susceptibility to, 5. Identifiers: Orphanet 64280, MedGen C2677087, MONDO:0012843, OMIM 612269.
Developmental and epileptic encephalopathy, 43 (DEE43). Also called: Epileptic encephalopathy, early infantile, 43. Identifiers: MedGen C4310712, MONDO:0014921, OMIM 617113.

Submissions (4):

GeneDx
Classification: Pathogenic. Last evaluated: 2023-06-08. Review status: criteria provided, single submitter. Criteria: GeneDx Variant Classification Process June 2021. Collection method: clinical testing. Allele origin: germline. Affected: yes.
Comment: In silico analysis supports that this missense variant has a deleterious effect on protein structure/function; Not observed at significant frequency in large population cohorts (gnomAD); This variant is associated with the following publications: (PMID: 35599849)

Labcorp Genetics (formerly Invitae), Labcorp
Classification: Uncertain significance for Epilepsy, childhood absence, susceptibility to, 5; Epilepsy, childhood absence, susceptibility to, 1. Last evaluated: 2021-09-02. Review status: criteria provided, single submitter. Criteria: Invitae Variant Classification Sherloc (09022015). Collection method: clinical testing. Allele origin: germline.

Blueprint Genetics
Classification: Likely pathogenic for GABRB3-related disorders. Last evaluated: 2020-12-20. Review status: criteria provided, single submitter. Criteria: ACMG Guidelines, 2015. Collection method: clinical testing. Allele origin: germline. Affected: yes. Observed: 1 variant allele.

Molecular Genetics Laboratory, BC Children's and BC Women's Hospitals
Classification: Likely pathogenic for Developmental and epileptic encephalopathy, 43. Last evaluated: 2017-08-31. Review status: no assertion criteria provided. Criteria: ACMG Guidelines, 2015. Collection method: clinical testing. Allele origin: de novo. Affected: yes. Not counted in ClinVar's aggregate classification.

NM_000814.6(GABRB3):c.239T>G (p.Met80Arg)

Gene: GABRB3 (gamma-aminobutyric acid type A receptor subunit beta3; minus strand). Cytogenetic location: 15q12.
Variant type: single nucleotide variant.
Coding change: c.239T>G on transcript NM_000814.6 (MANE Select); coding-DNA position 239, T replaced by G.
Protein change: p.Met80Arg; replaces methionine 80 with arginine.
Molecular consequence: missense variant. On other transcripts: 5 prime UTR variant (1).
Genome position (GRCh38, 1-based): chr15:26,772,403, A>C on the plus strand (T>G on the coding strand, the complement: GABRB3 is on the minus strand). VCF-style: chr15-26772403-A-C. GRCh37 (hg19) VCF-style: chr15-27017550-A-C.
Other names: c.-113T>G (NM_001278631.2); c.239T>G, p.Met80Arg (NM_021912.5); short protein forms M80R.
Identifiers: ClinVar variation 559623 (VCV000559623.7), dbSNP rs1064794797, ClinGen allele CA391465159.
Genomic context (GRCh38, chr15:26,772,403, plus strand): 5'-TGTGATCCCAGACAGCGGGCCGGGGGCTCAGGGACCGCCCTGGGAGGGCGGGCACTCACC[A>C]TGTTGACTTCGGAAACCATGTCGATGCTGGCGATGTCGATGTTCATCCCCACGCAGACCG-3'
Protein context (NP_000805.1, residues 70-90): ASIDMVSEVN[Met80Arg]DYTLTMYFQQ